The following is an entry in ClinVar:

ClinVar aggregate classification (germline): Pathogenic. Review status: criteria provided, multiple submitters, no conflicts (2 of 4 stars). 2 submissions from 2 submitters: Pathogenic (2). Last evaluated 2025-05-08.

Conditions:
Supravalvar aortic stenosis (SVAS). Also called: Supravalvar aortic stenosis, Eisenberg type. Identifiers: Orphanet 3193, MedGen C0003499, MONDO:0008504, OMIM 185500, HP:0004381.

Submissions (2):

Labcorp Genetics (formerly Invitae), Labcorp
Classification: Pathogenic for Supravalvar aortic stenosis. Last evaluated: 2025-05-08. Review status: criteria provided, single submitter. Criteria: Invitae Variant Classification Sherloc (09022015). Collection method: clinical testing. Allele origin: germline.
Comment: This sequence change creates a premature translational stop signal (p.Pro58Leufs*64) in the ELN gene. It is expected to result in an absent or disrupted protein product. Loss-of-function variants in ELN are known to be pathogenic (PMID: 11175284). This variant is not present in population databases (gnomAD no frequency). This variant has not been reported in the literature in individuals affected with ELN-related conditions. ClinVar contains an entry for this variant (Variation ID: 505162). For these reasons, this variant has been classified as Pathogenic.

Laboratory for Molecular Medicine, Mass General Brigham Personalized Medicine
Classification: Pathogenic for Supravalvular aortic stenosis. Last evaluated: 2016-07-06. Review status: criteria provided, single submitter. Criteria: LMM Criteria. Collection method: clinical testing. Allele origin: germline. Inheritance: Autosomal dominant inheritance. Observed: 1 variant allele.
Comment: The p.Pro58fs variant in ELN has not been previously reported in individuals wit h congenital heart disease or in large population studies. This variant is predi cted to cause a frameshift, which alters the protein?s amino acid sequence begin ning at position 58 and leads to a premature termination codon 64 amino acids do wnstream. This alteration is then predicted to lead to a truncated or absent pro tein. Heterozygous loss of function of the ELN gene is an established disease me chanism in SVAS. In summary, the p.Pro58fs variant meets our criteria to be clas sified as pathogenic for SVAS in an autosomal dominant manner.

Literature cited by the submitters: PubMed 11175284 (cited by Labcorp Genetics (formerly Invitae), Labcorp).

NM_000501.4(ELN):c.171del (p.Pro58fs)

Gene: ELN (elastin; plus strand). Cytogenetic location: 7q11.23.
Variant type: Deletion.
Coding change: c.171del on transcript NM_000501.4 (MANE Select); coding-DNA position 171, one base deleted (G; older notation c.171delG).
Protein change: p.Pro58fs; shifts the reading frame from proline 58.
Molecular consequence: frameshift variant.
Genome position (GRCh38, 1-based): chr7:74,037,714, G deleted; the last of 4 consecutive G bases (chr7:74,037,711-74,037,714); deleting any one gives the same sequence. VCF-style (leftmost placement, unchanged base first): chr7-74037710-TG-T. GRCh37 (hg19) VCF-style: chr7-73452040-TG-T.
Other names: c.141del, p.Pro48fs (NM_001081752.3, NM_001278914.2, NM_001278917.2 and 1 more transcripts); c.171del, p.Pro58fs (NM_001081753.3, NM_001081754.3, NM_001081755.3 and 5 more transcripts); short protein forms P58fs, P48fs.
Identifiers: ClinVar variation 505162 (VCV000505162.11), dbSNP rs1554666513, ClinGen allele CA658796941.